The following is an entry in ClinVar:

NM_014915.3(ANKRD26):c.1357G>A (p.Ala453Thr)

Gene: ANKRD26 (ankyrin repeat domain 26; minus strand). Cytogenetic location: 10p12.1.
Variant type: single nucleotide variant.
Coding change: c.1357G>A on transcript NM_014915.3 (MANE Select); coding-DNA position 1357, G replaced by A.
Protein change: p.Ala453Thr; replaces alanine 453 with threonine.
Molecular consequence: missense variant.
Genome position (GRCh38, 1-based): chr10:27,063,994, C>T on the plus strand (G>A on the coding strand, the complement: ANKRD26 is on the minus strand). VCF-style: chr10-27063994-C-T. GRCh37 (hg19) VCF-style: chr10-27352923-C-T.
Other names: c.1357G>A, p.Ala453Thr (NM_001256053.2); short protein forms A453T.
Identifiers: ClinVar variation 2580054 (VCV002580054.6), dbSNP rs377291380, ClinGen allele CA5448587.

ClinVar aggregate classification (germline): Uncertain significance. Review status: criteria provided, multiple submitters, no conflicts (2 of 4 stars). 3 submissions from 3 submitters: Uncertain significance (3). Last evaluated 2024-11-25.

Conditions:
Inborn genetic diseases. Identifiers: MedGen C0950123, MeSH D030342.

Allele frequency attached by ClinVar (database versions not stated): gnomAD 0.00001; ExAC 0.00002; gnomAD exomes 0.00002; ESP Exome Variant Server 0.00009.
gnomAD v4.1: 31 of 1,605,052 alleles (0.0019%); highest among the groups gnomAD compares: Non-Finnish European, 0.0026%; no homozygotes.

Submissions (3):

Ambry Genetics
Classification: Uncertain significance for Inborn genetic diseases. Last evaluated: 2024-11-25. Review status: criteria provided, single submitter. Criteria: Ambry Variant Classification Scheme 2023. Collection method: clinical testing. Allele origin: germline.
Comment: The p.A453T variant (also known as c.1357G>A), located in coding exon 12 of the ANKRD26 gene, results from a G to A substitution at nucleotide position 1357. The alanine at codon 453 is replaced by threonine, an amino acid with similar properties. This amino acid position is conserved. In addition, this alteration is predicted to be tolerated by in silico analysis. Based on the available evidence, the clinical significance of this variant remains unclear.

GeneDx
Classification: Uncertain significance. Last evaluated: 2023-11-16. Review status: criteria provided, single submitter. Criteria: GeneDx Variant Classification Process June 2021. Collection method: clinical testing. Allele origin: germline.
Comment: In silico analysis supports that this missense variant does not alter protein structure/function; Has not been previously published as pathogenic or benign to our knowledge

Labcorp Genetics (formerly Invitae), Labcorp
Classification: Uncertain significance. Last evaluated: 2023-02-11. Review status: criteria provided, single submitter. Criteria: Invitae Variant Classification Sherloc (09022015). Collection method: clinical testing. Allele origin: germline.
Comment: In summary, the available evidence is currently insufficient to determine the role of this variant in disease. Therefore, it has been classified as a Variant of Uncertain Significance. Algorithms developed to predict the effect of missense changes on protein structure and function (SIFT, PolyPhen-2, Align-GVGD) all suggest that this variant is likely to be tolerated. This variant has not been reported in the literature in individuals affected with ANKRD26-related conditions. This variant is present in population databases (rs377291380, gnomAD 0.006%). This sequence change replaces alanine, which is neutral and non-polar, with threonine, which is neutral and polar, at codon 453 of the ANKRD26 protein (p.Ala453Thr).